The following is an entry in ClinVar:

ClinVar aggregate classification (germline): Uncertain significance (1 of 4 stars; one submission).

Conditions:
Hyperphosphatasia with impaired intellectual development syndrome 2. Also called: Hyperphosphatasia with intellectual disability syndrome 2; GLYCOSYLPHOSPHATIDYLINOSITOL BIOSYNTHESIS DEFECT 6. Identifiers: Orphanet 247262, MedGen C3553637, MONDO:0013882, OMIM 614749.

Allele frequency attached by ClinVar (database versions not stated): ExAC 0.00002; gnomAD 0.00001; 1000 Genomes Project 30x 0.00016; gnomAD exomes 0.00001 and 0.00002; TOPMed 0.00002; 1000 Genomes Project 0.00020.
gnomAD v4.1: 16 of 1,612,290 alleles (0.00099%); highest among the groups gnomAD compares: Admixed American, 0.0033%; no homozygotes.

Submission:

Labcorp Genetics (formerly Invitae), Labcorp
Classification: Uncertain significance for Hyperphosphatasia with impaired intellectual development syndrome 2. Last evaluated: 2022-06-27. Review status: criteria provided, single submitter. Criteria: Invitae Variant Classification Sherloc (09022015). Collection method: clinical testing. Allele origin: germline.
Comment: ClinVar contains an entry for this variant (Variation ID: 1045378). This variant has not been reported in the literature in individuals affected with PIGO-related conditions. This variant is present in population databases (rs551682667, gnomAD 0.01%). This sequence change replaces arginine, which is basic and polar, with cysteine, which is neutral and slightly polar, at codon 705 of the PIGO protein (p.Arg705Cys). Algorithms developed to predict the effect of missense changes on protein structure and function are either unavailable or do not agree on the potential impact of this missense change (SIFT: "Deleterious"; PolyPhen-2: "Possibly Damaging"; Align-GVGD: "Class C0"). In summary, the available evidence is currently insufficient to determine the role of this variant in disease. Therefore, it has been classified as a Variant of Uncertain Significance.

NM_032634.4(PIGO):c.2113C>T (p.Arg705Cys)

Gene: PIGO (phosphatidylinositol glycan anchor biosynthesis class O; minus strand). Cytogenetic location: 9p13.3.
Variant type: single nucleotide variant.
Coding change: c.2113C>T on transcript NM_032634.4 (MANE Select); coding-DNA position 2113, C replaced by T.
Protein change: p.Arg705Cys; replaces arginine 705 with cysteine.
Molecular consequence: missense variant. On other transcripts: intron variant (2).
Genome position (GRCh38, 1-based): chr9:35,091,774, G>A on the plus strand (C>T on the coding strand, the complement: PIGO is on the minus strand). VCF-style: chr9-35091774-G-A. GRCh37 (hg19) VCF-style: chr9-35091771-G-A.
Other names: c.1345-483C>T (NM_152850.4, NM_001201484.2); short protein forms R705C.
Identifiers: ClinVar variation 1045378 (VCV001045378.7), dbSNP rs551682667, ClinGen allele CA5040497.